The following is an entry in ClinVar:

NM_203288.2(RP9):c.1A>G (p.Met1Val)

Genes: RP9 (RP9 pre-mRNA splicing factor; minus strand), LOC129998225 (ATAC-STARR-seq lymphoblastoid silent region 18090; plus strand). Cytogenetic location: 7p14.3.
Variant type: single nucleotide variant.
Coding change: c.1A>G on transcript NM_203288.2 (MANE Select); coding-DNA position 1, A replaced by G.
Protein change: p.Met1Val; changes the start codon (methionine 1).
Molecular consequence: missense variant, initiator codon variant.
Genome position (GRCh38, 1-based): chr7:33,109,372, T>C on the plus strand (A>G on the coding strand, the complement: RP9 is on the minus strand). VCF-style: chr7-33109372-T-C. GRCh37 (hg19) VCF-style: chr7-33148984-T-C.
Other names: short protein forms M1V.
Identifiers: ClinVar variation 2122705 (VCV002122705.5), dbSNP rs1365665399, ClinGen allele CA367185491.

ClinVar aggregate classification (germline): Uncertain significance (1 of 4 stars; one submission).

Allele frequency attached by ClinVar (database versions not stated): gnomAD 0.00001.

Submission:

Labcorp Genetics (formerly Invitae), Labcorp
Classification: Uncertain significance. Last evaluated: 2022-07-05. Review status: criteria provided, single submitter. Criteria: Invitae Variant Classification Sherloc (09022015). Collection method: clinical testing. Allele origin: germline.
Comment: In summary, the available evidence is currently insufficient to determine the role of this variant in disease. Therefore, it has been classified as a Variant of Uncertain Significance. Experimental studies and prediction algorithms are not available or were not evaluated, and the functional significance of this variant is currently unknown. This variant has not been reported in the literature in individuals affected with RP9-related conditions. This variant is not present in population databases (gnomAD no frequency). This sequence change affects the initiator methionine of the RP9 mRNA. The next in-frame methionine is located at codon 94.